The following is an entry in ClinVar:

ClinVar aggregate classification (germline): Likely pathogenic. Review status: criteria provided, multiple submitters, no conflicts (2 of 4 stars). 3 submissions from 3 submitters: Likely pathogenic (3). Last evaluated 2024-11-22.

Conditions:
Nonsyndromic genetic hearing loss. Also called: Non-syndromic genetic deafness; Nonsyndromic genetic deafness; Nonsyndromic hearing loss and deafness. Identifiers: Orphanet 87884, MedGen C5680182, MONDO:0019497.

Submissions (3):

Women's Health and Genetics/Laboratory Corporation of America, LabCorp
Classification: Likely pathogenic for Nonsyndromic genetic hearing loss. Last evaluated: 2024-11-22. Review status: criteria provided, single submitter. Criteria: LabCorp Variant Classification Summary - May 2015. Collection method: clinical testing. Allele origin: germline.
Comment: Variant summary: TMC1 c.1401_1403delCAA (p.Asn467del; also known as c.1396_1398AAC; p.Asn466del in the literature) results in an in-frame deletion that is predicted to remove one amino acid from the encoded protein. Consensus agreement among computation tools predict no significant impact on normal splicing. However, these predictions have yet to be confirmed by functional studies. The variant allele was found at a frequency of 1.2e-05 in 251230 control chromosomes (gnomAD). c.1401_1403delCAA has been reported in the literature in individuals affected with nonsyndromic hearing loss and deafness (examples: Jiang_2018, Lin_2014, Ramzan_2020). These data indicate that the variant is likely to be associated with disease. To our knowledge, no experimental evidence demonstrating an impact on protein function has been reported. The following publications have been ascertained in the context of this evaluation (PMID: 29533536, 25458163, 31854501). ClinVar contains an entry for this variant (Variation ID: 2735281). Based on the evidence outlined above, the variant was classified as likely pathogenic.

Labcorp Genetics (formerly Invitae), Labcorp
Classification: Likely pathogenic. Last evaluated: 2024-10-09. Review status: criteria provided, single submitter. Criteria: Invitae Variant Classification Sherloc (09022015). Collection method: clinical testing. Allele origin: germline.
Comment: This variant, c.1401_1403del, results in the deletion of 1 amino acid(s) of the TMC1 protein (p.Asn467del), but otherwise preserves the integrity of the reading frame. This variant is present in population databases (rs780156287, gnomAD 0.02%). This variant has been observed in individual(s) with autosomal recessive deafness (PMID: 25458163, 29533536, 31854501). In at least one individual the data is consistent with being in trans (on the opposite chromosome) from a pathogenic variant. It has also been observed to segregate with disease in related individuals. This variant is also known as c.1399_1401delAAC (p.Asn466del) and c.1396_1398delAAC (p.Asn466del). In summary, the currently available evidence indicates that the variant is pathogenic, but additional data are needed to prove that conclusively. Therefore, this variant has been classified as Likely Pathogenic.

GeneDx
Classification: Likely pathogenic. Last evaluated: 2023-05-26. Review status: criteria provided, single submitter. Criteria: GeneDx Variant Classification Process June 2021. Collection method: clinical testing. Allele origin: germline. Affected: yes.
Comment: In-frame deletion of 11 amino acids in a non-repeat region; In silico analysis supports a deleterious effect on protein structure/function; This variant is associated with the following publications: (PMID: 29533536, 25458163, 31854501)

Literature cited by the submitters: PubMed 29533536 (cited by Women's Health and Genetics/Laboratory Corporation of America, LabCorp and Labcorp Genetics (formerly Invitae), Labcorp); PubMed 25458163 (cited by Women's Health and Genetics/Laboratory Corporation of America, LabCorp and Labcorp Genetics (formerly Invitae), Labcorp); PubMed 31854501 (cited by Women's Health and Genetics/Laboratory Corporation of America, LabCorp and Labcorp Genetics (formerly Invitae), Labcorp).

NM_138691.3(TMC1):c.1398CAA[1] (p.Asn467del)

Gene: TMC1 (transmembrane channel like 1; plus strand). Cytogenetic location: 9q21.13.
Variant type: Microsatellite.
Coding change: c.1398CAA[1] on transcript NM_138691.3 (MANE Select); one copy of the 3-base unit CAA starting at c.1398; the reference has two copies in a row; one copy, 3 bases deleted.
Protein change: p.Asn467del; deletes asparagine 467.
Molecular consequence: inframe deletion.
Genome position (GRCh38, 1-based): chr9:72,792,062-72,792,064, CAA deleted; deleting any 3 consecutive bases within chr9:72,792,057-72,792,064 gives the same sequence; the position shown is the placement nearest the transcript's 3' end. VCF-style (leftmost placement, unchanged base first): chr9-72792056-TAAC-T. GRCh37 (hg19) VCF-style: chr9-75406972-TAAC-T.
Other names: c.1401_1403delCAA (NM_138691.3); short protein forms N467del.
Identifiers: ClinVar variation 2735281 (VCV002735281.5), dbSNP rs780156287, ClinGen allele CA5081936.
Genomic context (GRCh38, chr9:72,792,056, plus strand): 5'-CATTTTTGCTCTTCTTTTAGGCAATTTATACGTATTTATTCTTGCATTAATGGATGAGAT[TAAC>T]AACAAGGTAAGCCTTGTTTCTGGATTGTCCTTGCCATAAGAGTGTTGTTCAATTCCCAGT-3'